The following is an entry in ClinVar:

NM_000219.6(KCNE1):c.80T>A (p.Met27Lys)

Gene: KCNE1 (potassium voltage-gated channel subfamily E regulatory subunit 1; minus strand). Cytogenetic location: 21q22.12.
Variant type: single nucleotide variant.
Coding change: c.80T>A on transcript NM_000219.6 (MANE Select); coding-DNA position 80, T replaced by A.
Protein change: p.Met27Lys; replaces methionine 27 with lysine.
Molecular consequence: missense variant.
Genome position (GRCh38, 1-based): chr21:34,449,555, A>T on the plus strand (T>A on the coding strand, the complement: KCNE1 is on the minus strand). VCF-style: chr21-34449555-A-T. GRCh37 (hg19) VCF-style: chr21-35821853-A-T.
Other names: c.80T>A, p.Met27Lys (NM_001127668.4, NM_001127669.4, NM_001127670.4 and 4 more transcripts); short protein forms M27K.
Identifiers: ClinVar variation 3373992 (VCV003373992.2).

Conditions:
Long QT syndrome 5 (LQT5). Identifiers: Orphanet 101016, Orphanet 768, MedGen C1867904, MONDO:0013372, OMIM 613695.

Submission:

Roden Lab, Vanderbilt University Medical Center
No classification provided (evidence only). Condition: Long QT syndrome 5. Review status: no classification provided. Collection method: in vitro. Allele origin: not applicable. Functional consequence: Effect on ion channel function.
ClinVar note: "not provided" was previously submitted as the classification for the variant. However, the classification appeared to be based only on an observation of functional data so it was converted to no classification on 2025-07-30.